The following is an entry in ClinVar:

NM_001352027.3(PHF21A):c.1327G>A (p.Ala443Thr)

Gene: PHF21A (PHD finger protein 21A; minus strand). Cytogenetic location: 11p11.2.
Variant type: single nucleotide variant.
Coding change: c.1327G>A on transcript NM_001352027.3 (MANE Select); coding-DNA position 1327, G replaced by A.
Protein change: p.Ala443Thr; replaces alanine 443 with threonine.
Molecular consequence: missense variant. On other transcripts: non-coding transcript variant (1), intron variant (6).
Genome position (GRCh38, 1-based): chr11:45,945,965, C>T on the plus strand (G>A on the coding strand, the complement: PHF21A is on the minus strand). VCF-style: chr11-45945965-C-T. GRCh37 (hg19) VCF-style: chr11-45967516-C-T.
Other names: c.1324G>A, p.Ala442Thr (NM_001101802.3); c.1327G>A, p.Ala443Thr (NM_001352025.3, NM_001352026.3); c.1308+111G>A (NM_001352030.3, NM_001352031.3, NM_001352032.3); c.1311+111G>A (NM_016621.5, NM_001352028.1, NM_001352029.1); short protein forms A442T, A443T.
Identifiers: ClinVar variation 3391527 (VCV003391527.1).
Genomic context (GRCh38, chr11:45,945,965, plus strand): 5'-CTGTCTTTTCATTTTCAGGGGAGTCAGGATGACTGGATTGGGGGGATGTTGGGGTAAGGG[C>T]TCCAAACCCCAGCACTGCATTGTATTTTGGAGGACGACCTATATACCAAGAGAAGGGAAC-3'
Protein context (NP_001338956.1, residues 433-453): PKYNAVLGFG[Ala443Thr]LTPTSPQSSH

ClinVar aggregate classification (germline): Uncertain significance (1 of 4 stars; one submission).

gnomAD v4.1: 1 of 1,613,624 alleles (0.000062%); highest among the groups gnomAD compares: African/African-American, 0.0013%; no homozygotes.

Submission:

GeneDx
Classification: Uncertain significance. Last evaluated: 2024-06-21. Review status: criteria provided, single submitter. Criteria: GeneDx Variant Classification Process June 2021. Collection method: clinical testing. Allele origin: germline. Affected: yes.
Comment: Not observed at significant frequency in large population cohorts (gnomAD); In silico analysis indicates that this variant does not alter protein structure/function; Has not been previously published as pathogenic or benign to our knowledge